The following is an entry in ClinVar:

ClinVar aggregate classification (germline): Pathogenic. Review status: criteria provided, multiple submitters, no conflicts (2 of 4 stars). 2 submissions from 2 submitters: Pathogenic (2). Last evaluated 2024-04-22.

Conditions:
KCNV2-related disorder. Also called: KCNV2-related condition.

Allele frequency attached by ClinVar (database versions not stated): TOPMed below 0.00001; ExAC 0.00001; gnomAD exomes 0.00001.

Submissions (2):

Labcorp Genetics (formerly Invitae), Labcorp
Classification: Pathogenic. Last evaluated: 2024-04-22. Review status: criteria provided, single submitter. Criteria: Invitae Variant Classification Sherloc (09022015). Collection method: clinical testing. Allele origin: germline.
Comment: This sequence change creates a premature translational stop signal (p.Ser289Trpfs*33) in the KCNV2 gene. It is expected to result in an absent or disrupted protein product. Loss-of-function variants in KCNV2 are known to be pathogenic (PMID: 16909397, 18235024). This variant is present in population databases (rs758877996, gnomAD 0.003%). This variant has not been reported in the literature in individuals affected with KCNV2-related conditions. ClinVar contains an entry for this variant (Variation ID: 861936). For these reasons, this variant has been classified as Pathogenic.

Blueprint Genetics
Classification: Pathogenic for KCNV2-related disorders. Last evaluated: 2019-08-12. Review status: criteria provided, single submitter. Criteria: ACMG Guidelines, 2015. Collection method: clinical testing. Allele origin: germline. Affected: yes. Observed: 2 variant alleles.

Literature cited by the submitters: PubMed 16909397 (cited by Labcorp Genetics (formerly Invitae), Labcorp); PubMed 18235024 (cited by Labcorp Genetics (formerly Invitae), Labcorp).

NM_133497.4(KCNV2):c.866del (p.Ser289fs)

Gene: KCNV2 (potassium voltage-gated channel modifier subfamily V member 2; plus strand). Cytogenetic location: 9p24.2.
Variant type: Deletion.
Coding change: c.866del on transcript NM_133497.4 (MANE Select); coding-DNA position 866, one base deleted (C; older notation c.866delC).
Protein change: p.Ser289fs; shifts the reading frame from serine 289.
Molecular consequence: frameshift variant.
Genome position (GRCh38, 1-based): chr9:2,718,605, C deleted. VCF-style (leftmost placement, unchanged base first): chr9-2718604-TC-T. GRCh37 (hg19) VCF-style: chr9-2718604-TC-T.
Other names: short protein forms S289fs.
Identifiers: ClinVar variation 861936 (VCV000861936.8), dbSNP rs758877996, ClinGen allele CA4965652.